The following is an entry in ClinVar:

ClinVar aggregate classification (germline): Likely benign (0 of 4 stars; one submission).

Conditions:
LRBA-related disorder. Also called: LRBA-related condition.

Allele frequency attached by ClinVar (database versions not stated): gnomAD exomes below 0.00001; TOPMed below 0.00001; gnomAD 0.00001.
gnomAD v4.1: 5 of 1,613,428 alleles (0.00031%); highest among the groups gnomAD compares: Admixed American, 0.0017%; no homozygotes.

Submission:

PreventionGenetics, part of Exact Sciences
Classification: Likely benign for LRBA-related condition. Last evaluated: 2023-10-20. Review status: no assertion criteria provided. Collection method: clinical testing. Allele origin: germline.
Comment: This variant is classified as likely benign based on ACMG/AMP sequence variant interpretation guidelines (Richards et al. 2015 PMID: 25741868, with internal and published modifications).

NM_001364905.1(LRBA):c.87A>G (p.Glu29=)

Gene: LRBA (LPS responsive beige-like anchor protein; minus strand). Cytogenetic location: 4q31.3.
Variant type: single nucleotide variant.
Coding change: c.87A>G on transcript NM_001364905.1 (MANE Select); coding-DNA position 87, A replaced by G.
Protein change: p.Glu29=; no amino-acid change (glutamic acid 29 retained).
Molecular consequence: synonymous variant.
Genome position (GRCh38, 1-based): chr4:151,014,556, T>C on the plus strand (A>G on the coding strand, the complement: LRBA is on the minus strand). VCF-style: chr4-151014556-T-C. GRCh37 (hg19) VCF-style: chr4-151935708-T-C.
Other names: c.87A>G, p.Glu29= (NM_001199282.3, NM_001367550.1, NM_006726.5).
Identifiers: ClinVar variation 3048744 (VCV003048744.2), dbSNP rs1173497125, ClinGen allele CA441884249.